The following is an entry in ClinVar:

NM_004168.4(SDHA):c.1591G>T (p.Val531Leu)

Gene: SDHA (succinate dehydrogenase complex flavoprotein subunit A; plus strand). Cytogenetic location: 5p15.33.
Variant type: single nucleotide variant.
Coding change: c.1591G>T on transcript NM_004168.4 (MANE Select); coding-DNA position 1591, G replaced by T.
Protein change: p.Val531Leu; replaces valine 531 with leucine.
Molecular consequence: missense variant. On other transcripts: intron variant (1).
Genome position (GRCh38, 1-based): chr5:251,031, G>T. VCF-style: chr5-251031-G-T. GRCh37 (hg19) VCF-style: chr5-251146-G-T.
Other names: c.1447G>T, p.Val483Leu (NM_001294332.2); c.1552-3362G>T (NM_001330758.2); short protein forms V531L, V483L.
Identifiers: ClinVar variation 949040 (VCV000949040.13), dbSNP rs371056571, ClinGen allele CA112783494.
Genomic context (GRCh38, chr5:251,031, plus strand): 5'-AAATAATATTTTGTGCCACAGTCAATGCAAAATCATGCTGCCGTGTTCCGTGTGGGAAGC[G>T]TGTTGCAAGAAGGTTGTGGGAAAATCAGCAAGCTCTATGGAGACCTAAAGCACCTGAAGA-3'
Protein context (NP_004159.2, residues 521-541): NHAAVFRVGS[Val531Leu]LQEGCGKISK

ClinVar aggregate classification (germline): Uncertain significance. Review status: criteria provided, multiple submitters, no conflicts (2 of 4 stars). 3 submissions from 3 submitters: Uncertain significance (3). Last evaluated 2023-02-27.

Conditions:
Hereditary cancer-predisposing syndrome. Also called: Hereditary Cancer Syndrome; Neoplastic Syndromes, Hereditary; Tumor predisposition; Hereditary neoplastic syndrome. Identifiers: Orphanet 140162, MedGen C0027672, MeSH D009386, MONDO:0015356.
Mitochondrial complex II deficiency, nuclear type 1. Also called: SUCCINATE CoQ REDUCTASE DEFICIENCY. Identifiers: Orphanet 3208, MedGen C5700310, MONDO:0100294, OMIM 252011.
Pheochromocytoma/paraganglioma syndrome 5. Also called: Paragangliomas 5; SDHA-Related Hereditary Paraganglioma-Pheochromocytoma Syndrome. Identifiers: Orphanet 29072, MedGen C3279992, MONDO:0013602, OMIM 614165.

Submissions (3):

Labcorp Genetics (formerly Invitae), Labcorp
Classification: Uncertain significance for Pheochromocytoma/paraganglioma syndrome 5; Mitochondrial complex II deficiency, nuclear type 1. Last evaluated: 2023-02-27. Review status: criteria provided, single submitter. Criteria: Invitae Variant Classification Sherloc (09022015). Collection method: clinical testing. Allele origin: germline.
Comment: In summary, the available evidence is currently insufficient to determine the role of this variant in disease. Therefore, it has been classified as a Variant of Uncertain Significance. Advanced modeling of protein sequence and biophysical properties (such as structural, functional, and spatial information, amino acid conservation, physicochemical variation, residue mobility, and thermodynamic stability) performed at Invitae indicates that this missense variant is not expected to disrupt SDHA protein function. ClinVar contains an entry for this variant (Variation ID: 949040). This variant has not been reported in the literature in individuals affected with SDHA-related conditions. This variant is not present in population databases (gnomAD no frequency). This sequence change replaces valine, which is neutral and non-polar, with leucine, which is neutral and non-polar, at codon 531 of the SDHA protein (p.Val531Leu).

Quest Diagnostics Nichols Institute San Juan Capistrano
Classification: Uncertain significance. Last evaluated: 2021-07-13. Review status: criteria provided, single submitter. Criteria: Quest Diagnostics criteria. Collection method: clinical testing. Allele origin: unknown.

Ambry Genetics
Classification: Uncertain significance for Hereditary cancer-predisposing syndrome. Last evaluated: 2021-05-12. Review status: criteria provided, single submitter. Criteria: Ambry Variant Classification Scheme 2023. Collection method: clinical testing. Allele origin: germline.
Comment: The p.V531L variant (also known as c.1591G>T), located in coding exon 12 of the SDHA gene, results from a G to T substitution at nucleotide position 1591. The valine at codon 531 is replaced by leucine, an amino acid with highly similar properties. This amino acid position is highly conserved in available vertebrate species. In addition, the in silico prediction for this alteration is inconclusive. Since supporting evidence is limited at this time, the clinical significance of this alteration remains unclear.